The following is an entry in ClinVar:

NM_001846.4(COL4A2):c.284C>A (p.Ala95Asp)

Gene: COL4A2 (collagen type IV alpha 2 chain; plus strand). Cytogenetic location: 13q34.
Variant type: single nucleotide variant.
Coding change: c.284C>A on transcript NM_001846.4 (MANE Select); coding-DNA position 284, C replaced by A.
Protein change: p.Ala95Asp; replaces alanine 95 with aspartic acid.
Molecular consequence: missense variant.
Genome position (GRCh38, 1-based): chr13:110,424,837, C>A. VCF-style: chr13-110424837-C-A. GRCh37 (hg19) VCF-style: chr13-111077184-C-A.
Other names: short protein forms A95D.
Identifiers: ClinVar variation 1679700 (VCV001679700.6), dbSNP rs754829210, ClinGen allele CA388728083.

ClinVar aggregate classification (germline): Uncertain significance. Review status: criteria provided, multiple submitters, no conflicts (2 of 4 stars). 2 submissions from 2 submitters: Uncertain significance (2). Last evaluated 2022-10-10.

Conditions:
Brain small vessel disease 2A, autosomal dominant. Also called: Porencephaly 2. Identifiers: Orphanet 2940, Orphanet 99810, MedGen C3280970, MONDO:0013773, OMIM 614483.

Allele frequency attached by ClinVar (database versions not stated): gnomAD 0.00001.
gnomAD v4.1: 5 of 1,613,606 alleles (0.00031%); highest among the groups gnomAD compares: Admixed American, 0.005%; no homozygotes.

Submissions (2):

Labcorp Genetics (formerly Invitae), Labcorp
Classification: Uncertain significance. Last evaluated: 2022-10-10. Review status: criteria provided, single submitter. Criteria: Invitae Variant Classification Sherloc (09022015). Collection method: clinical testing. Allele origin: germline.
Comment: This variant has not been reported in the literature in individuals affected with COL4A2-related conditions. In summary, the available evidence is currently insufficient to determine the role of this variant in disease. Therefore, it has been classified as a Variant of Uncertain Significance. Advanced modeling of protein sequence and biophysical properties (such as structural, functional, and spatial information, amino acid conservation, physicochemical variation, residue mobility, and thermodynamic stability) performed at Invitae indicates that this missense variant is not expected to disrupt COL4A2 protein function. ClinVar contains an entry for this variant (Variation ID: 1679700). This variant is present in population databases (no rsID available, gnomAD 0.006%). This sequence change replaces alanine, which is neutral and non-polar, with aspartic acid, which is acidic and polar, at codon 95 of the COL4A2 protein (p.Ala95Asp).

New York Genome Center
Classification: Uncertain significance for Brain small vessel disease 2A, autosomal dominant. Last evaluated: 2021-05-28. Review status: criteria provided, single submitter. Criteria: NYGC Assertion Criteria 2020. Collection method: clinical testing. Allele origin: inherited. Observed: 1 heterozygote. Study: CSER-NYCKidSeq.